The following is an entry in ClinVar:

NM_198576.4(AGRN):c.1711G>A (p.Gly571Arg)

Gene: AGRN (agrin; plus strand). Cytogenetic location: 1p36.33.
Variant type: single nucleotide variant.
Coding change: c.1711G>A on transcript NM_198576.4 (MANE Select); coding-DNA position 1711, G replaced by A.
Protein change: p.Gly571Arg; replaces glycine 571 with arginine.
Molecular consequence: missense variant.
Genome position (GRCh38, 1-based): chr1:1,043,645, G>A. VCF-style: chr1-1043645-G-A. GRCh37 (hg19) VCF-style: chr1-979025-G-A.
Other names: c.1711G>A (NM_198576.3); c.1711G>A, p.Gly571Arg (NM_001305275.2); c.1396G>A, p.Gly466Arg (NM_001364727.2); short protein forms G571R, G466R.
Identifiers: ClinVar variation 1988963 (VCV001988963.3), dbSNP rs777677036, ClinGen allele CA508302.
Genomic context (GRCh38, chr1:1,043,645, plus strand): 5'-GGGCGCTGCGTGTGCCCCTCTGAATGCGTGGCTTTGGCCCAGCCCGTGTGTGGCTCCGAC[G>A]GGCACACGTACCCCAGCGAGTGCATGCTGCACGTGCACGCCTGCACACACCAGATCAGCC-3'
Protein context (NP_940978.2, residues 561-581): ALAQPVCGSD[Gly571Arg]HTYPSECMLH

ClinVar aggregate classification (germline): Uncertain significance. Review status: criteria provided, multiple submitters, no conflicts (2 of 4 stars). 2 submissions from 2 submitters: Uncertain significance (2). Last evaluated 2025-04-03.

Conditions:
Congenital myasthenic syndrome 8. Also called: Myasthenic syndrome, congenital, 8, with pre- and postsynaptic defects; MYASTHENIC SYNDROME, CONGENITAL, DUE TO AGRIN DEFICIENCY. Identifiers: Orphanet 590, MedGen C3808739, MONDO:0014052, OMIM 615120.

Allele frequency attached by ClinVar (database versions not stated): gnomAD 0.00001; ExAC 0.00002; TOPMed 0.00002.
gnomAD v4.1: 25 of 1,602,072 alleles (0.0016%); highest among the groups gnomAD compares: Middle Eastern, 0.016%; no homozygotes.

Submissions (2):

GeneDx
Classification: Uncertain significance. Last evaluated: 2025-04-03. Review status: criteria provided, single submitter. Criteria: GeneDx Variant Classification Process June 2021. Collection method: clinical testing. Allele origin: germline. Affected: yes.
Comment: Not observed at significant frequency in large population cohorts (gnomAD); In silico analysis supports that this missense variant has a deleterious effect on protein structure/function; In silico analysis suggests this variant may impact gene splicing. In the absence of RNA/functional studies, the actual effect of this sequence change is unknown.; Has not been previously published as pathogenic or benign to our knowledge

Labcorp Genetics (formerly Invitae), Labcorp
Classification: Uncertain significance for Congenital myasthenic syndrome 8. Last evaluated: 2023-11-03. Review status: criteria provided, single submitter. Criteria: Invitae Variant Classification Sherloc (09022015). Collection method: clinical testing. Allele origin: germline.
Comment: This sequence change replaces glycine, which is neutral and non-polar, with arginine, which is basic and polar, at codon 571 of the AGRN protein (p.Gly571Arg). This variant is present in population databases (rs777677036, gnomAD 0.01%). This variant has not been reported in the literature in individuals affected with AGRN-related conditions. ClinVar contains an entry for this variant (Variation ID: 1988963). An algorithm developed to predict the effect of missense changes on protein structure and function (PolyPhen-2) suggests that this variant is likely to be disruptive. In summary, the available evidence is currently insufficient to determine the role of this variant in disease. Therefore, it has been classified as a Variant of Uncertain Significance.